The following is an entry in ClinVar:

NM_000497.4(CYP11B1):c.422G>A (p.Arg141Gln)

Genes: CYP11B1 (cytochrome P450 family 11 subfamily B member 1; minus strand), LOC106799833 (CYP11B1 recombination region; plus strand). Cytogenetic location: 8q24.3.
Variant type: single nucleotide variant.
Coding change: c.422G>A on transcript NM_000497.4 (MANE Select); coding-DNA position 422, G replaced by A.
Protein change: p.Arg141Gln; replaces arginine 141 with glutamine.
Molecular consequence: missense variant.
Genome position (GRCh38, 1-based): chr8:142,877,196, C>T on the plus strand (G>A on the coding strand, the complement: CYP11B1 is on the minus strand). VCF-style: chr8-142877196-C-T. GRCh37 (hg19) VCF-style: chr8-143958612-C-T.
Other names: c.422G>A, p.Arg141Gln (NM_001026213.1); short protein forms R141Q.
Identifiers: ClinVar variation 77208 (VCV000077208.13), dbSNP rs267601810, ClinGen allele CA4905443.

ClinVar aggregate classification (germline): Pathogenic/Likely pathogenic. Review status: criteria provided, multiple submitters, no conflicts (2 of 4 stars). 7 submissions from 7 submitters: Pathogenic (1); Likely pathogenic (5). 1 of the submissions does not count toward it. Last evaluated 2026-07-22.

Conditions:
CYP11B1-related disorder. Also called: CYP11B1-related condition.
Congenital adrenal hyperplasia. Identifiers: Orphanet 418, MedGen C0001627, MONDO:0018479, HP:0008258.
Deficiency of steroid 11-beta-monooxygenase (CYP11B1). Also called: 11-BETA-HYDROXYLASE DEFICIENCY; Congenital adrenal hyperplasia due to 11-beta-hydroxylase deficiency; ADRENAL HYPERPLASIA, CONGENITAL, DUE TO STEROID 11-BETA-HYDROXYLASE DEFICIENCY; STEROID 11-BETA-HYDROXYLASE DEFICIENCY; P450C11B1 DEFICIENCY; ADRENAL HYPERPLASIA IV. Identifiers: Orphanet 90795, MedGen C0268292, MONDO:0008729, OMIM 202010. Disease mechanism: loss of function.

Allele frequency attached by ClinVar (database versions not stated): ExAC 0.00001; gnomAD 0.00001; TOPMed 0.00002; gnomAD exomes below 0.00001.

Submissions (7):

Athena Diagnostics
Classification: Likely pathogenic. Last evaluated: 2026-07-22. Review status: criteria provided, single submitter. Criteria: Athena Diagnostics Criteria. Collection method: clinical testing. Allele origin: germline.
Comment: The frequency of this variant in the general population is consistent with pathogenicity. This variant has been identified in multiple unrelated individuals with clinical features associated with this gene. Assessment of experimental evidence suggests this variant results in abnormal protein function. (PMID: 36929050)

Women's Health and Genetics/Laboratory Corporation of America, LabCorp
Classification: Likely pathogenic for Congenital adrenal hyperplasia. Last evaluated: 2025-06-12. Review status: criteria provided, single submitter. Criteria: LabCorp Variant Classification Summary - May 2015. Collection method: clinical testing. Allele origin: germline.
Comment: Variant summary: CYP11B1 c.422G>A (p.Arg141Gln) results in a conservative amino acid change in the encoded protein sequence. Algorithms developed to predict the effect of missense changes on protein structure and function are either unavailable or do not agree on the potential impact of this missense change. The variant allele was found at a frequency of 4e-06 in 250542 control chromosomes. c.422G>A has been observed in compound heterozygous individuals affected with Congenital Adrenal Hyperplasia (e.g. Dumic_2014, Kandemir_2017, Sun_2022). At least one publication reports experimental evidence evaluating an impact on protein function. The most pronounced variant effect results in <10% of normal enzyme activity in vitro (e.g. Sun_2022). The following publications have been ascertained in the context of this evaluation (PMID: 24987415, 26956189, 36929050). ClinVar contains an entry for this variant (Variation ID: 77208). Based on the evidence outlined above, the variant was classified as likely pathogenic.

Labcorp Genetics (formerly Invitae), Labcorp
Classification: Pathogenic. Last evaluated: 2025-04-27. Review status: criteria provided, single submitter. Criteria: Invitae Variant Classification Sherloc (09022015). Collection method: clinical testing. Allele origin: germline.
Comment: This sequence change replaces arginine, which is basic and polar, with glutamine, which is neutral and polar, at codon 141 of the CYP11B1 protein (p.Arg141Gln). This variant is present in population databases (rs267601810, gnomAD 0.003%). This missense change has been observed in individuals with 11-beta-hydroxylase deficiency (PMID: 24987415, 26956189, 36929050). ClinVar contains an entry for this variant (Variation ID: 77208). Invitae Evidence Modeling of protein sequence and biophysical properties (such as structural, functional, and spatial information, amino acid conservation, physicochemical variation, residue mobility, and thermodynamic stability) indicates that this missense variant is expected to disrupt CYP11B1 protein function with a positive predictive value of 95%. Experimental studies have shown that this missense change affects CYP11B1 function (PMID: 36929050). For these reasons, this variant has been classified as Pathogenic.

Myriad Genetics, Inc.
Classification: Likely pathogenic for Deficiency of steroid 11-beta-monooxygenase. Last evaluated: 2025-03-25. Review status: criteria provided, single submitter. Criteria: Myriad Autosomal Dominant, Autosomal Recessive and X-Linked Classification Criteria (2023). Collection method: clinical testing. Allele origin: unknown.
Comment: NM_000497.3(CYP11B1):c.422G>A(R141Q) is a missense variant classified as likely pathogenic in the context of congenital adrenal hyperplasia, CYP11B1-related. R141Q has been observed in cases with relevant disease (PMID: 24987415, 26956189, 36929050). Relevant functional assessments of this variant are available in the literature (PMID: 36929050). R141Q has been observed in referenced population frequency databases. In summary, NM_000497.3(CYP11B1):c.422G>A(R141Q) is a missense variant that has functional support for pathogenicity and has been observed more frequently in cases with the relevant disease than in healthy populations. Please note: this variant was assessed in the context of healthy population screening.

Baylor Genetics
Classification: Likely pathogenic for Deficiency of steroid 11-beta-monooxygenase. Last evaluated: 2023-10-18. Review status: criteria provided, single submitter. Criteria: ACMG Guidelines, 2015. Collection method: clinical testing. Allele origin: unknown.

PreventionGenetics, part of Exact Sciences
Classification: Likely pathogenic for CYP11B1-related condition. Last evaluated: 2023-05-11. Review status: criteria provided, single submitter. Criteria: ACMG Guidelines, 2015. Collection method: clinical testing. Allele origin: germline.
Comment: The CYP11B1 c.422G>A variant is predicted to result in the amino acid substitution p.Arg141Gln. This variant has been reported in a compound heterozygous state with another variant in individuals with 11 beta-hydroxylase deficiency (Dumic et al. 2014. PubMed ID: 24987415; Table S1 - Khattab et al. 2017. PubMed ID: 28228528). This variant was also reported with another novel variant in an individual with 11 beta-hydroxylase deficiency (Kandemir et al. 2017. PubMed ID: 26956189). This variant is reported in 0.0033% of alleles in individuals of South Asian descent in gnomAD. This variant falls within a highly paralogous region. Allele frequency data should be interpreted with caution. This variant is interpreted as likely pathogenic.

Counsyl
Classification: Uncertain significance for Deficiency of steroid 11-beta-monooxygenase. Last evaluated: 2018-04-04. Review status: flagged submission. Collection method: clinical testing. Allele origin: unknown. Not counted in ClinVar's aggregate classification.
ClinVar note: Reason: Older and outlier claim with insufficient supporting evidence

Literature cited by the submitters: PubMed 24987415 (cited by 5 submitters); PubMed 26956189 (cited by 4 submitters); PubMed 28228528 (cited by Athena Diagnostics); PubMed 34823514 (cited by Athena Diagnostics); PubMed 36929050 (cited by 4 submitters).